The following is an entry in ClinVar:

NM_001367721.1(CASK):c.104G>A (p.Gly35Glu)

Gene: CASK (calcium/calmodulin dependent serine protein kinase; minus strand). Cytogenetic location: Xp11.4.
Variant type: single nucleotide variant.
Coding change: c.104G>A on transcript NM_001367721.1 (MANE Select); coding-DNA position 104, G replaced by A.
Protein change: p.Gly35Glu; replaces glycine 35 with glutamic acid.
Molecular consequence: missense variant.
Genome position (GRCh38, 1-based): chrX:41,853,183, C>T on the plus strand (G>A on the coding strand, the complement: CASK is on the minus strand). VCF-style: chrX-41853183-C-T. GRCh37 (hg19) VCF-style: chrX-41712436-C-T.
Other names: c.104G>A, p.Gly35Glu (NM_001126054.3, NM_001126055.3, NM_001410745.1 and 1 more transcripts); short protein forms G35E.
Identifiers: ClinVar variation 1465041 (VCV001465041.6), dbSNP rs1485547629, ClinGen allele CA413000898.
Genomic context (GRCh38, chrX:41,853,183, plus strand): 5'-CTTAACCCTGGACTTGATGTGAACTTGGCTACATCAACAATTTTTACAGCAAATTGTTGC[C>T]CAGTTTCTCTGTTGATACATCGTCGTACAACACTGAAGGGACCCCTATAAAACAAAAAGT-3'
Protein context (NP_001354650.1, residues 25-45): VVRRCINRET[Gly35Glu]QQFAVKIVDV

ClinVar aggregate classification (germline): Uncertain significance (1 of 4 stars; one submission).

Conditions:
Intellectual disability, CASK-related, X-linked. Identifiers: MedGen CN043158.

Allele frequency attached by ClinVar (database versions not stated): TOPMed 0.00002.

Submission:

Labcorp Genetics (formerly Invitae), Labcorp
Classification: Uncertain significance for Intellectual disability, CASK-related, X-linked. Last evaluated: 2025-03-30. Review status: criteria provided, single submitter. Criteria: Invitae Variant Classification Sherloc (09022015). Collection method: clinical testing. Allele origin: germline.
Comment: This sequence change replaces glycine, which is neutral and non-polar, with glutamic acid, which is acidic and polar, at codon 35 of the CASK protein (p.Gly35Glu). This variant is present in population databases (no rsID available, gnomAD 0.01%). This variant has not been reported in the literature in individuals affected with CASK-related conditions. ClinVar contains an entry for this variant (Variation ID: 1465041). Invitae Evidence Modeling of protein sequence and biophysical properties (such as structural, functional, and spatial information, amino acid conservation, physicochemical variation, residue mobility, and thermodynamic stability) indicates that this missense variant is not expected to disrupt CASK protein function with a negative predictive value of 80%. In summary, the available evidence is currently insufficient to determine the role of this variant in disease. Therefore, it has been classified as a Variant of Uncertain Significance.